The following is an entry in ClinVar:

ClinVar aggregate classification (germline): Uncertain significance (1 of 4 stars; one submission).

Submission:

GeneDx
Classification: Uncertain significance. Last evaluated: 2024-12-10. Review status: criteria provided, single submitter. Criteria: GeneDx Variant Classification Process June 2021. Collection method: clinical testing. Allele origin: germline. Affected: yes.
Comment: Not observed at significant frequency in large population cohorts (gnomAD); Has not been previously published as pathogenic or benign to our knowledge; In silico analysis supports a deleterious effect on splicing

NM_000503.6(EYA1):c.1051-6T>G

Gene: EYA1 (EYA transcriptional coactivator and phosphatase 1; minus strand). Cytogenetic location: 8q13.3.
Variant type: single nucleotide variant.
Coding change: c.1051-6T>G on transcript NM_000503.6 (MANE Select); 6 bases into the intron before coding-DNA position 1051, T replaced by G.
Molecular consequence: intron variant.
Genome position (GRCh38, 1-based): chr8:71,244,698, A>C on the plus strand (T>G on the coding strand, the complement: EYA1 is on the minus strand). VCF-style: chr8-71244698-A-C. GRCh37 (hg19) VCF-style: chr8-72156933-A-C.
Other names: c.1119+25042T>G (NM_001370336.1); c.1138-6T>G (NM_001370333.1); c.1051-6T>G (NM_001370335.1, NM_001370334.1, NM_172058.4); c.1122+25042T>G (NM_172059.5); c.952-6T>G (NM_001411797.1, NM_172060.4); c.685-6T>G (NM_001288575.2); c.1033-6T>G (NM_001288574.2).
Identifiers: ClinVar variation 3903386 (VCV003903386.1).